The following is an entry in ClinVar:

ClinVar aggregate classification (germline): Uncertain significance (1 of 4 stars; one submission).

Conditions:
MC4R-related disorder. Also called: MC4R-related condition.

Submission:

PreventionGenetics, part of Exact Sciences
Classification: Uncertain significance for MC4R-related condition. Last evaluated: 2023-07-05. Review status: criteria provided, single submitter. Criteria: ACMG Guidelines, 2015. Collection method: clinical testing. Allele origin: germline.
Comment: The MC4R c.403G>C variant is predicted to result in the amino acid substitution p.Ala135Pro. To our knowledge, this variant has not been reported in the literature or in a large population database, indicating this variant is rare. At this time, the clinical significance of this variant is uncertain due to the absence of conclusive functional and genetic evidence.

NM_005912.3(MC4R):c.403G>C (p.Ala135Pro)

Gene: MC4R (melanocortin 4 receptor; minus strand). Cytogenetic location: 18q21.32.
Variant type: single nucleotide variant.
Coding change: c.403G>C on transcript NM_005912.3 (MANE Select); coding-DNA position 403, G replaced by C.
Protein change: p.Ala135Pro; replaces alanine 135 with proline.
Molecular consequence: missense variant.
Genome position (GRCh38, 1-based): chr18:60,371,947, C>G on the plus strand (G>C on the coding strand, the complement: MC4R is on the minus strand). VCF-style: chr18-60371947-C-G. GRCh37 (hg19) VCF-style: chr18-58039180-C-G.
Other names: short protein forms A135P.
Identifiers: ClinVar variation 2629264 (VCV002629264.1), dbSNP rs2511560507, ClinGen allele CA402719884.